The following is an entry in ClinVar:

ClinVar aggregate classification (germline): Uncertain significance (1 of 4 stars; one submission).

Allele frequency attached by ClinVar (database versions not stated): ExAC 0.00002; gnomAD 0.00002 and 0.00004; gnomAD exomes 0.00006.
gnomAD v4.1: 37 of 1,614,030 alleles (0.0023%); highest among the groups gnomAD compares: Non-Finnish European, 0.000085%; no homozygotes.

Submission:

Labcorp Genetics (formerly Invitae), Labcorp
Classification: Uncertain significance. Last evaluated: 2024-10-14. Review status: criteria provided, single submitter. Criteria: Invitae Variant Classification Sherloc (09022015). Collection method: clinical testing. Allele origin: germline.
Comment: This sequence change replaces tyrosine, which is neutral and polar, with histidine, which is basic and polar, at codon 110 of the VAV1 protein (p.Tyr110His). This variant is present in population databases (rs764621143, gnomAD 0.05%). This variant has not been reported in the literature in individuals affected with VAV1-related conditions. ClinVar contains an entry for this variant (Variation ID: 1387313). An algorithm developed to predict the effect of missense changes on protein structure and function (PolyPhen-2) suggests that this variant is likely to be disruptive. In summary, the available evidence is currently insufficient to determine the role of this variant in disease. Therefore, it has been classified as a Variant of Uncertain Significance.

NM_005428.4(VAV1):c.328T>C (p.Tyr110His)

Gene: VAV1 (vav guanine nucleotide exchange factor 1; plus strand). Cytogenetic location: 19p13.3.
Variant type: single nucleotide variant.
Coding change: c.328T>C on transcript NM_005428.4 (MANE Select); coding-DNA position 328, T replaced by C.
Protein change: p.Tyr110His; replaces tyrosine 110 with histidine.
Molecular consequence: missense variant.
Genome position (GRCh38, 1-based): chr19:6,821,628, T>C. VCF-style: chr19-6821628-T-C. GRCh37 (hg19) VCF-style: chr19-6821639-T-C.
Other names: c.328T>C, p.Tyr110His (NM_001258206.2, NM_001258207.2); short protein forms Y110H.
Identifiers: ClinVar variation 1387313 (VCV001387313.6), dbSNP rs764621143, ClinGen allele CA9132185.